The following is an entry in ClinVar:

NM_152703.5(SAMD9L):c.2680A>G (p.Ser894Gly)

Gene: SAMD9L (sterile alpha motif domain containing 9 like; minus strand). Cytogenetic location: 7q21.2.
Variant type: single nucleotide variant.
Coding change: c.2680A>G on transcript NM_152703.5 (MANE Select); coding-DNA position 2680, A replaced by G.
Protein change: p.Ser894Gly; replaces serine 894 with glycine.
Molecular consequence: missense variant.
Genome position (GRCh38, 1-based): chr7:93,133,292, T>C on the plus strand (A>G on the coding strand, the complement: SAMD9L is on the minus strand). VCF-style: chr7-93133292-T-C. GRCh37 (hg19) VCF-style: chr7-92762605-T-C.
Other names: c.2680A>G, p.Ser894Gly (NM_001303496.3, NM_001303497.3, NM_001303498.3 and 5 more transcripts); short protein forms S894G.
Identifiers: ClinVar variation 3792368 (VCV003792368.1).
Genomic context (GRCh38, chr7:93,133,292, plus strand): 5'-CATCCTGTCCTTTTAGGATATTCCTGACTACATTTTCTATATATGTTTCATCAAAATTGC[T>C]TTTCATGATCATGAAGGAATAAAAGTTTTCACAGTTCTTGTGCTGCTTTTCAATTTCCTT-3'
Protein context (NP_689916.2, residues 884-904): ENFYSFMIMK[Ser894Gly]NFDETYIENV

ClinVar aggregate classification (germline): Uncertain significance (1 of 4 stars; one submission).

Conditions:
Inborn genetic diseases. Identifiers: MedGen C0950123, MeSH D030342.

Submission:

Ambry Genetics
Classification: Uncertain significance for Inborn genetic diseases. Last evaluated: 2025-01-30. Review status: criteria provided, single submitter. Criteria: Ambry Variant Classification Scheme 2023. Collection method: clinical testing. Allele origin: germline.
Comment: The p.S894G variant (also known as c.2680A>G), located in coding exon 1 of the SAMD9L gene, results from an A to G substitution at nucleotide position 2680. The serine at codon 894 is replaced by glycine, an amino acid with similar properties. This amino acid position is conserved. In addition, this alteration is predicted to be tolerated by in silico analysis. Based on the available evidence, the clinical significance of this variant remains unclear.